The following is an entry in ClinVar:

NM_006445.4(PRPF8):c.2984G>C (p.Arg995Thr)

Gene: PRPF8 (pre-mRNA processing factor 8; minus strand). Cytogenetic location: 17p13.3.
Variant type: single nucleotide variant.
Coding change: c.2984G>C on transcript NM_006445.4 (MANE Select); coding-DNA position 2984, G replaced by C.
Protein change: p.Arg995Thr; replaces arginine 995 with threonine.
Molecular consequence: missense variant.
Genome position (GRCh38, 1-based): chr17:1,675,228, C>G on the plus strand (G>C on the coding strand, the complement: PRPF8 is on the minus strand). VCF-style: chr17-1675228-C-G. GRCh37 (hg19) VCF-style: chr17-1578522-C-G.
Other names: short protein forms R995T.
Identifiers: ClinVar variation 3370176 (VCV003370176.1).

ClinVar aggregate classification (germline): Uncertain significance (1 of 4 stars; one submission).

Submission:

GeneDx
Classification: Uncertain significance. Last evaluated: 2023-12-31. Review status: criteria provided, single submitter. Criteria: GeneDx Variant Classification Process June 2021. Collection method: clinical testing. Allele origin: germline. Affected: yes.
Comment: Not observed at significant frequency in large population cohorts (gnomAD); In silico analysis supports that this missense variant has a deleterious effect on protein structure/function; Has not been previously published as pathogenic or benign to our knowledge